The following is an entry in ClinVar:

NM_002439.5(MSH3):c.2705A>G (p.Lys902Arg)

Gene: MSH3 (mutS homolog 3; plus strand). Cytogenetic location: 5q14.1.
Variant type: single nucleotide variant.
Coding change: c.2705A>G on transcript NM_002439.5 (MANE Select); coding-DNA position 2705, A replaced by G.
Protein change: p.Lys902Arg; replaces lysine 902 with arginine.
Molecular consequence: missense variant.
Genome position (GRCh38, 1-based): chr5:80,813,633, A>G. VCF-style: chr5-80813633-A-G. GRCh37 (hg19) VCF-style: chr5-80109452-A-G.
Other names: short protein forms K902R.
Identifiers: ClinVar variation 1794972 (VCV001794972.3), dbSNP rs1745047300, ClinGen allele CA360273906.

ClinVar aggregate classification (germline): Uncertain significance (1 of 4 stars; one submission).

Conditions:
Hereditary cancer-predisposing syndrome. Also called: Tumor predisposition; Hereditary Cancer Syndrome; Neoplastic Syndromes, Hereditary; Hereditary neoplastic syndrome. Identifiers: Orphanet 140162, MedGen C0027672, MeSH D009386, MONDO:0015356.

Allele frequency attached by ClinVar (database versions not stated): gnomAD 0.00001.
gnomAD v4.1: 1 of 1,614,050 alleles (0.000062%); highest among the groups gnomAD compares: African/African-American, 0.0013%; no homozygotes.

Submission:

Ambry Genetics
Classification: Uncertain significance for Hereditary cancer-predisposing syndrome. Last evaluated: 2025-05-07. Review status: criteria provided, single submitter. Criteria: Ambry Variant Classification Scheme 2023. Collection method: clinical testing. Allele origin: germline.
Comment: The p.K902R variant (also known as c.2705A>G), located in coding exon 20 of the MSH3 gene, results from an A to G substitution at nucleotide position 2705. The lysine at codon 902 is replaced by arginine, an amino acid with highly similar properties. This amino acid position is highly conserved in available vertebrate species. In addition, this alteration is predicted to be deleterious by in silico analysis. Based on the available evidence, the clinical significance of this variant remains unclear.